The following is an entry in ClinVar:

NM_000238.4(KCNH2):c.1829A>G (p.Lys610Arg)

Gene: KCNH2 (potassium voltage-gated channel subfamily H member 2; minus strand). Cytogenetic location: 7q36.1.
Variant type: single nucleotide variant.
Coding change: c.1829A>G on transcript NM_000238.4 (MANE Select); coding-DNA position 1829, A replaced by G.
Protein change: p.Lys610Arg; replaces lysine 610 with arginine.
Molecular consequence: missense variant. On other transcripts: non-coding transcript variant (2).
Genome position (GRCh38, 1-based): chr7:150,951,564, T>C on the plus strand (A>G on the coding strand, the complement: KCNH2 is on the minus strand). VCF-style: chr7-150951564-T-C. GRCh37 (hg19) VCF-style: chr7-150648652-T-C.
Other names: c.809A>G, p.Lys270Arg (NM_001204798.2, NM_172057.3); c.1541A>G, p.Lys514Arg (NM_001406753.1, NM_001406756.1); c.1652A>G, p.Lys551Arg (NM_001406755.1); c.1529A>G, p.Lys510Arg (NM_001406757.1); c.1829A>G, p.Lys610Arg (NM_172056.3); short protein forms K270R, K514R, K610R, K510R, K551R.
Identifiers: ClinVar variation 2865252 (VCV002865252.3), dbSNP rs2486037146, ClinGen allele CA369857993.

ClinVar aggregate classification (germline): Uncertain significance (1 of 4 stars; one submission).

Conditions:
Long QT syndrome (LQTS). Identifiers: MedGen C0023976, MeSH D008133, MONDO:0002442. Disease mechanism: loss of function. Inheritance: Various modes of inheritance.

Submission:

Labcorp Genetics (formerly Invitae), Labcorp
Classification: Uncertain significance for Long QT syndrome. Last evaluated: 2023-09-10. Review status: criteria provided, single submitter. Criteria: Invitae Variant Classification Sherloc (09022015). Collection method: clinical testing. Allele origin: germline.
Comment: This sequence change replaces lysine, which is basic and polar, with arginine, which is basic and polar, at codon 610 of the KCNH2 protein (p.Lys610Arg). This variant is not present in population databases (gnomAD no frequency). This variant has not been reported in the literature in individuals affected with KCNH2-related conditions. An algorithm developed to predict the effect of missense changes on protein structure and function (PolyPhen-2) suggests that this variant is likely to be disruptive. Algorithms developed to predict the effect of sequence changes on RNA splicing suggest that this variant may create or strengthen a splice site. This variant disrupts the p.Lys610 amino acid residue in KCNH2. Other variant(s) that disrupt this residue have been determined to be pathogenic (Invitae). This suggests that this residue is clinically significant, and that variants that disrupt this residue are likely to be disease-causing. In summary, the available evidence is currently insufficient to determine the role of this variant in disease. Therefore, it has been classified as a Variant of Uncertain Significance.